The following is an entry in ClinVar:

ClinVar aggregate classification (germline): Uncertain significance (1 of 4 stars; one submission).

Conditions:
Hereditary cancer-predisposing syndrome. Also called: Neoplastic Syndromes, Hereditary; Tumor predisposition; Hereditary neoplastic syndrome; Hereditary Cancer Syndrome. Identifiers: Orphanet 140162, MedGen C0027672, MeSH D009386, MONDO:0015356.

Submission:

Ambry Genetics
Classification: Uncertain significance for Hereditary cancer-predisposing syndrome. Last evaluated: 2023-10-02. Review status: criteria provided, single submitter. Criteria: Ambry Variant Classification Scheme 2023. Collection method: clinical testing. Allele origin: germline.
Comment: The p.Y340S variant (also known as c.1019A>C), located in coding exon 10 of the FANCC gene, results from an A to C substitution at nucleotide position 1019. The tyrosine at codon 340 is replaced by serine, an amino acid with dissimilar properties. This amino acid position is conserved. In addition, this alteration is predicted to be deleterious by in silico analysis. Since supporting evidence is limited at this time, the clinical significance of this alteration remains unclear.

NM_000136.3(FANCC):c.1019A>C (p.Tyr340Ser)

Genes: AOPEP (aminopeptidase O (putative); plus strand), FANCC (FA complementation group C; minus strand). Cytogenetic location: 9q22.32.
Variant type: single nucleotide variant.
Coding change: c.1019A>C on transcript NM_000136.3 (MANE Select); coding-DNA position 1019, A replaced by C.
Protein change: p.Tyr340Ser; replaces tyrosine 340 with serine.
Molecular consequence: missense variant.
Genome position (GRCh38, 1-based): chr9:95,117,368, T>G on the plus strand (A>C on the coding strand, the complement: FANCC is on the minus strand). VCF-style: chr9-95117368-T-G. GRCh37 (hg19) VCF-style: chr9-97879650-T-G.
Other names: c.1019A>C, p.Tyr340Ser (NM_001243743.2, NM_001243744.2); short protein forms Y340S.
Identifiers: ClinVar variation 3230352 (VCV003230352.1), dbSNP rs746828156, ClinGen allele CA374108197.